The following is an entry in ClinVar:

NM_014444.5(TUBGCP4):c.1669C>T (p.Arg557Ter)

Gene: TUBGCP4 (tubulin gamma complex component 4; plus strand). Cytogenetic location: 15q15.3.
Variant type: single nucleotide variant.
Coding change: c.1669C>T on transcript NM_014444.5 (MANE Select); coding-DNA position 1669, C replaced by T.
Protein change: p.Arg557Ter; replaces arginine 557 with a stop codon.
Molecular consequence: nonsense.
Genome position (GRCh38, 1-based): chr15:43,401,788, C>T. VCF-style: chr15-43401788-C-T. GRCh37 (hg19) VCF-style: chr15-43693986-C-T.
Other names: c.1672C>T, p.Arg558Ter (NM_001286414.3); short protein forms R557*, R558*.
Identifiers: ClinVar variation 1692991 (VCV001692991.7), dbSNP rs755822321, ClinGen allele CA270000825.

ClinVar aggregate classification (germline): Pathogenic. Review status: criteria provided, multiple submitters, no conflicts (2 of 4 stars). 2 submissions from 2 submitters: Pathogenic (2). Last evaluated 2024-12-28.

Conditions:
Microcephaly and chorioretinopathy 3. Also called: Microcephaly and chorioretinopathy, autosomal recessive, 3. Identifiers: MedGen C4225362, MONDO:0014592, OMIM 616335.

gnomAD v4.1: 4 of 1,614,118 alleles (0.00025%); highest among the groups gnomAD compares: Non-Finnish European, 0.00034%; no homozygotes.

Submissions (2):

Labcorp Genetics (formerly Invitae), Labcorp
Classification: Pathogenic. Last evaluated: 2024-12-28. Review status: criteria provided, single submitter. Criteria: Invitae Variant Classification Sherloc (09022015). Collection method: clinical testing. Allele origin: germline.
Comment: This sequence change creates a premature translational stop signal (p.Arg558*) in the TUBGCP4 gene. It is expected to result in an absent or disrupted protein product. Loss-of-function variants in TUBGCP4 are known to be pathogenic (PMID: 25817018). This variant is not present in population databases (gnomAD no frequency). This variant has not been reported in the literature in individuals affected with TUBGCP4-related conditions. ClinVar contains an entry for this variant (Variation ID: 1692991). For these reasons, this variant has been classified as Pathogenic.

Laboratory of Human Genetics, Universidade de São Paulo
Classification: Pathogenic for Microcephaly and chorioretinopathy 3. Last evaluated: 2022-06-27. Review status: criteria provided, single submitter. Criteria: ACMG Guidelines, 2015. Collection method: research. Allele origin: maternal. Affected: yes.
Comment: This variant meets our criteria to be classified as pathogenic based upon segregation studies, absence from controls, and in-silico evaluation of pathogenicity.

Literature cited by the submitters: PubMed 25817018 (cited by Labcorp Genetics (formerly Invitae), Labcorp).